The following is an entry in ClinVar:

ClinVar aggregate classification (germline): Uncertain significance (1 of 4 stars; one submission).

Conditions:
Trichohepatoneurodevelopmental syndrome (THNS). Identifiers: MedGen C4748898, MONDO:0032645, OMIM 618268.

gnomAD v4.1: 10 of 1,614,136 alleles (0.00062%); highest among the groups gnomAD compares: African/African-American, 0.013%; no homozygotes.

Submission:

Dasa
Classification: Uncertain significance for Trichohepatoneurodevelopmental syndrome. Last evaluated: 2025-08-26. Review status: criteria provided, single submitter. Criteria: DASA Assertion Criteria. Collection method: clinical testing. Allele origin: germline.
Comment: NM_020198.3(CCDC47):c.172A>C (p.Ile58Leu) is a missense variant that results in the substitution of isoleucine with leucine. This variant has been observed in affected individuals with CCDC47-related disorders. Also, this variant is rare in population databases. Computational prediction algorithms are consistent with a benign effect. The currently available literature and clinical evidence are not sufficient to establish a definitive association between this variant and the reported condition. Therefore, this variant is classified as a variant of uncertain significance.

NM_020198.3(CCDC47):c.172A>C (p.Ile58Leu)

Gene: CCDC47 (coiled-coil domain containing 47; minus strand). Cytogenetic location: 17q23.3.
Variant type: single nucleotide variant.
Coding change: c.172A>C on transcript NM_020198.3 (MANE Select); coding-DNA position 172, A replaced by C.
Protein change: p.Ile58Leu; replaces isoleucine 58 with leucine.
Molecular consequence: missense variant.
Genome position (GRCh38, 1-based): chr17:63,766,004, T>G on the plus strand (A>C on the coding strand, the complement: CCDC47 is on the minus strand). VCF-style: chr17-63766004-T-G. GRCh37 (hg19) VCF-style: chr17-61843364-T-G.
Other names: short protein forms I58L.
Identifiers: ClinVar variation 4883488 (VCV004883488.2).